The following is an entry in ClinVar:

ClinVar aggregate classification (germline): Uncertain significance. Review status: criteria provided, multiple submitters, no conflicts (2 of 4 stars). 3 submissions from 3 submitters: Uncertain significance (3). Last evaluated 2025-03-31.

Conditions:
FOXN1-related disorder. Also called: FOXN1-related condition.
Inborn genetic diseases. Identifiers: MedGen C0950123, MeSH D030342.
T-cell immunodeficiency, congenital alopecia, and nail dystrophy. Also called: Congenital alopecia and nail dystrophy associated with severe functional T-cell immunodeficiency; Pignata Guarino syndrome. Identifiers: Orphanet 169095, MedGen C1866426, MONDO:0011132, OMIM 601705.

Allele frequency attached by ClinVar (database versions not stated): ExAC 0.00001; gnomAD 0.00001; gnomAD exomes 0.00001; TOPMed 0.00002.
gnomAD v4.1: 17 of 1,613,918 alleles (0.0011%); highest among the groups gnomAD compares: Middle Eastern, 0.033%; no homozygotes.

Submissions (3):

Labcorp Genetics (formerly Invitae), Labcorp
Classification: Uncertain significance for T-cell immunodeficiency, congenital alopecia, and nail dystrophy. Last evaluated: 2025-03-31. Review status: criteria provided, single submitter. Criteria: Invitae Variant Classification Sherloc (09022015). Collection method: clinical testing. Allele origin: germline.
Comment: This sequence change replaces alanine, which is neutral and non-polar, with valine, which is neutral and non-polar, at codon 429 of the FOXN1 protein (p.Ala429Val). This variant is present in population databases (rs769742205, gnomAD 0.002%). This variant has not been reported in the literature in individuals affected with FOXN1-related conditions. ClinVar contains an entry for this variant (Variation ID: 1020674). Invitae Evidence Modeling of protein sequence and biophysical properties (such as structural, functional, and spatial information, amino acid conservation, physicochemical variation, residue mobility, and thermodynamic stability) indicates that this missense variant is not expected to disrupt FOXN1 protein function with a negative predictive value of 80%. In summary, the available evidence is currently insufficient to determine the role of this variant in disease. Therefore, it has been classified as a Variant of Uncertain Significance.

Ambry Genetics
Classification: Uncertain significance for Inborn genetic diseases. Last evaluated: 2025-03-22. Review status: criteria provided, single submitter. Criteria: Ambry Variant Classification Scheme 2023. Collection method: clinical testing. Allele origin: germline.

PreventionGenetics, part of Exact Sciences
Classification: Uncertain significance for FOXN1-related condition. Last evaluated: 2024-12-09. Review status: criteria provided, single submitter. Criteria: ACMG Guidelines, 2015. Collection method: clinical testing. Allele origin: germline.
Comment: The FOXN1 c.1286C>T variant is predicted to result in the amino acid substitution p.Ala429Val. To our knowledge, this variant has not been reported in the literature. This variant is reported in 0.0023% of alleles in individuals of European (non-Finnish) descent in gnomAD. At this time, the clinical significance of this variant is uncertain due to the absence of conclusive functional and genetic evidence.

NM_001369369.1(FOXN1):c.1286C>T (p.Ala429Val)

Gene: FOXN1 (forkhead box N1; plus strand). Cytogenetic location: 17q11.2.
Variant type: single nucleotide variant.
Coding change: c.1286C>T on transcript NM_001369369.1 (MANE Select); coding-DNA position 1286, C replaced by T.
Protein change: p.Ala429Val; replaces alanine 429 with valine.
Molecular consequence: missense variant.
Genome position (GRCh38, 1-based): chr17:28,534,857, C>T. VCF-style: chr17-28534857-C-T. GRCh37 (hg19) VCF-style: chr17-26861875-C-T.
Other names: c.1286C>T, p.Ala429Val (NM_003593.3); c.1286C>T (NM_003593.2); short protein forms A429V.
Identifiers: ClinVar variation 1020674 (VCV001020674.7), dbSNP rs769742205, ClinGen allele CA8459493.